The following is an entry in ClinVar:

NM_001040142.2(SCN2A):c.4447-6C>T

Gene: SCN2A (sodium voltage-gated channel alpha subunit 2; plus strand). Cytogenetic location: 2q24.3.
Variant type: single nucleotide variant.
Coding change: c.4447-6C>T on transcript NM_001040142.2 (MANE Select); 6 bases into the intron before coding-DNA position 4447, C replaced by T.
Molecular consequence: intron variant.
Genome position (GRCh38, 1-based): chr2:165,381,087, C>T. VCF-style: chr2-165381087-C-T. GRCh37 (hg19) VCF-style: chr2-166237597-C-T.
Other names: c.4447-6C>T (NM_001040143.2, NM_001371246.1, NM_001371247.1 and 1 more transcripts).
Identifiers: ClinVar variation 506858 (VCV000506858.12), dbSNP rs1173151782, ClinGen allele CA537122425.

ClinVar aggregate classification (germline): Likely benign. Review status: criteria provided, multiple submitters, no conflicts (2 of 4 stars). 3 submissions from 3 submitters: Likely benign (3). Last evaluated 2021-11-19.

Conditions:
Developmental and epileptic encephalopathy, 11 (DEE11). Also called: Early infantile epileptic encephalopathy 11. Identifiers: Orphanet 1934, MedGen C3150987, MONDO:0013388, OMIM 613721.
Seizures, benign familial infantile, 3 (BFIS3). Also called: Familial neonatal seizures; CONVULSIONS, BENIGN FAMILIAL INFANTILE, 3. Identifiers: Orphanet 140927, Orphanet 306, MedGen C1843140, MONDO:0011904, OMIM 607745.

Allele frequency attached by ClinVar (database versions not stated): gnomAD exomes 0.00001.
gnomAD v4.1: 16 of 1,557,132 alleles (0.001%); highest among the groups gnomAD compares: Non-Finnish European, 0.0014%; no homozygotes.

Submissions (3):

Labcorp Genetics (formerly Invitae), Labcorp
Classification: Likely benign for Seizures, benign familial infantile, 3; Developmental and epileptic encephalopathy, 11. Last evaluated: 2021-11-19. Review status: criteria provided, single submitter. Criteria: Invitae Variant Classification Sherloc (09022015). Collection method: clinical testing. Allele origin: germline.

Blueprint Genetics
Classification: Likely benign. Last evaluated: 2020-08-06. Review status: criteria provided, single submitter. Criteria: ACMG Guidelines, 2015. Collection method: clinical testing. Allele origin: germline.

GeneDx
Classification: Likely benign. Last evaluated: 2017-01-17. Review status: criteria provided, single submitter. Criteria: GeneDx Variant Classification (06012015). Collection method: clinical testing. Allele origin: germline. Affected: yes.
Comment: This variant is considered likely benign or benign based on one or more of the following criteria: it is a conservative change, it occurs at a poorly conserved position in the protein, it is predicted to be benign by multiple in silico algorithms, and/or has population frequency not consistent with disease.